The following is an entry in ClinVar:

ClinVar aggregate classification (germline): Pathogenic (1 of 4 stars; one submission).

Submission:

Labcorp Genetics (formerly Invitae), Labcorp
Classification: Pathogenic. Last evaluated: 2023-07-19. Review status: criteria provided, single submitter. Criteria: Invitae Variant Classification Sherloc (09022015). Collection method: clinical testing. Allele origin: unknown.
Comment: For these reasons, this variant has been classified as Pathogenic. This variant has not been reported in the literature in individuals affected with OPA1-related conditions. This variant is a gross deletion of the genomic region encompassing exon(s) 1-14 of the OPA1 gene, which includes the initiator codon. This deletion extends beyond the assayed region for this gene and therefore may encompass additional genes. It is expected to result in an absent or disrupted protein product. Loss-of-function variants in OPA1 are known to be pathogenic (PMID: 11440988, 20157015, 20952381, 25012220).

Literature cited by the submitters: PubMed 11440988; PubMed 20157015; PubMed 20952381; PubMed 25012220.

NC_000003.11:g.(?_193311167)_(193361914_?)del

Gene: OPA1 (OPA1 mitochondrial dynamin like GTPase; plus strand). Cytogenetic location: 3q29.
Variant type: Deletion.
Identifiers: ClinVar variation 3247019 (VCV003247019.1).